The following is an entry in ClinVar:

NM_021120.4(DLG3):c.865G>A (p.Val289Met)

Gene: DLG3 (discs large MAGUK scaffold protein 3; plus strand). Cytogenetic location: Xq13.1.
Variant type: single nucleotide variant.
Coding change: c.865G>A on transcript NM_021120.4 (MANE Select); coding-DNA position 865, G replaced by A.
Protein change: p.Val289Met; replaces valine 289 with methionine.
Molecular consequence: missense variant.
Genome position (GRCh38, 1-based): chrX:70,450,663, G>A. VCF-style: chrX-70450663-G-A. GRCh37 (hg19) VCF-style: chrX-69670513-G-A.
Other names: short protein forms V289M.
Identifiers: ClinVar variation 4057009 (VCV004057009.1).

ClinVar aggregate classification (germline): Uncertain significance (1 of 4 stars; one submission).

Submission:

GeneDx
Classification: Uncertain significance. Last evaluated: 2025-01-09. Review status: criteria provided, single submitter. Criteria: GeneDx Variant Classification Process June 2021. Collection method: clinical testing. Allele origin: germline. Affected: yes.
Comment: Not observed at significant frequency in large population cohorts (gnomAD); In silico analysis supports that this missense variant has a deleterious effect on protein structure/function; Has not been previously published as pathogenic or benign to our knowledge